The following is an entry in ClinVar:

NM_000136.3(FANCC):c.676G>A (p.Ala226Thr)

Genes: AOPEP (aminopeptidase O (putative); plus strand), FANCC (FA complementation group C; minus strand). Cytogenetic location: 9q22.32.
Variant type: single nucleotide variant.
Coding change: c.676G>A on transcript NM_000136.3 (MANE Select); coding-DNA position 676, G replaced by A.
Protein change: p.Ala226Thr; replaces alanine 226 with threonine.
Molecular consequence: missense variant.
Genome position (GRCh38, 1-based): chr9:95,149,933, C>T on the plus strand (G>A on the coding strand, the complement: FANCC is on the minus strand). VCF-style: chr9-95149933-C-T. GRCh37 (hg19) VCF-style: chr9-97912215-C-T.
Other names: c.676G>A, p.Ala226Thr (NM_001243743.2, NM_001243744.2); short protein forms A226T.
Identifiers: ClinVar variation 1755342 (VCV001755342.8), dbSNP rs2541695709, ClinGen allele CA374109531.

ClinVar aggregate classification (germline): Uncertain significance. Review status: criteria provided, multiple submitters, no conflicts (2 of 4 stars). 2 submissions from 2 submitters: Uncertain significance (2). Last evaluated 2024-05-24.

Conditions:
Hereditary cancer-predisposing syndrome. Also called: Neoplastic Syndromes, Hereditary; Tumor predisposition; Hereditary Cancer Syndrome; Hereditary neoplastic syndrome. Identifiers: Orphanet 140162, MedGen C0027672, MeSH D009386, MONDO:0015356.
Fanconi anemia (FA). Also called: Fanconi's anemia. Identifiers: Orphanet 84, MedGen C0015625, MeSH D005199, MONDO:0019391.

Allele frequency attached by ClinVar (database versions not stated): gnomAD exomes below 0.00001.
gnomAD v4.1: 1 of 1,603,402 alleles (0.000062%); highest among the groups gnomAD compares: South Asian, 0.0011%; no homozygotes.

Submissions (2):

Ambry Genetics
Classification: Uncertain significance for Hereditary cancer-predisposing syndrome. Last evaluated: 2024-05-24. Review status: criteria provided, single submitter. Criteria: Ambry Variant Classification Scheme 2023. Collection method: clinical testing. Allele origin: germline.
Comment: The p.A226T variant (also known as c.676G>A), located in coding exon 6 of the FANCC gene, results from a G to A substitution at nucleotide position 676. The alanine at codon 226 is replaced by threonine, an amino acid with similar properties. This amino acid position is conserved. In addition, the in silico prediction for this alteration is inconclusive. Since supporting evidence is limited at this time, the clinical significance of this alteration remains unclear.

Labcorp Genetics (formerly Invitae), Labcorp
Classification: Uncertain significance for Fanconi anemia. Last evaluated: 2022-04-29. Review status: criteria provided, single submitter. Criteria: Invitae Variant Classification Sherloc (09022015). Collection method: clinical testing. Allele origin: germline.
Comment: This variant has not been reported in the literature in individuals affected with FANCC-related conditions. This variant is not present in population databases (gnomAD no frequency). This sequence change replaces alanine, which is neutral and non-polar, with threonine, which is neutral and polar, at codon 226 of the FANCC protein (p.Ala226Thr). In summary, the available evidence is currently insufficient to determine the role of this variant in disease. Therefore, it has been classified as a Variant of Uncertain Significance. Algorithms developed to predict the effect of missense changes on protein structure and function are either unavailable or do not agree on the potential impact of this missense change (SIFT: "Deleterious"; PolyPhen-2: "Probably Damaging"; Align-GVGD: "Class C0").